The following is an entry in ClinVar:

ClinVar aggregate classification (germline): Benign/Likely benign. Review status: criteria provided, multiple submitters, no conflicts (2 of 4 stars). 3 submissions from 3 submitters: Benign (1); Likely benign (2). Last evaluated 2026-06-17.

Conditions:
Gastrointestinal stromal tumor. Also called: Gastrointestinal stromal tumor, somatic; Gastrointestinal stroma tumor. Identifiers: Orphanet 44890, MedGen C0238198, MeSH D046152, MONDO:0011719, OMIM 606764, HP:0100723.
Polyps, multiple and recurrent inflammatory fibroid, gastrointestinal. Identifiers: MedGen C5193005, MONDO:0008285, OMIM 175510.
Hereditary cancer-predisposing syndrome. Also called: Neoplastic Syndromes, Hereditary; Tumor predisposition; Hereditary Cancer Syndrome; Hereditary neoplastic syndrome. Identifiers: Orphanet 140162, MedGen C0027672, MeSH D009386, MONDO:0015356.

Allele frequency attached by ClinVar (database versions not stated): gnomAD exomes below 0.00001.
gnomAD v4.1: 2 of 1,609,988 alleles (0.00012%); highest among the groups gnomAD compares: Non-Finnish European, 0.00017%; no homozygotes.

Submissions (3):

Myriad Genetics, Inc.
Classification: Benign for Polyps, multiple and recurrent inflammatory fibroid, gastrointestinal. Last evaluated: 2026-06-17. Review status: criteria provided, single submitter. Criteria: Myriad Autosomal Dominant, Autosomal Recessive and X-Linked Classification Criteria (2023). Collection method: clinical testing. Allele origin: unknown.
Comment: This variant is considered benign. This variant is a silent/synonymous amino acid change and it is not expected to impact splicing.

Labcorp Genetics (formerly Invitae), Labcorp
Classification: Likely benign for Gastrointestinal stromal tumor. Last evaluated: 2025-11-03. Review status: criteria provided, single submitter. Criteria: Invitae Variant Classification Sherloc (09022015). Collection method: clinical testing. Allele origin: germline.

Ambry Genetics
Classification: Likely benign for Hereditary cancer-predisposing syndrome. Last evaluated: 2022-08-13. Review status: criteria provided, single submitter. Criteria: Ambry Variant Classification Scheme 2023. Collection method: clinical testing. Allele origin: germline.

NM_006206.6(PDGFRA):c.2838G>C (p.Leu946=)

Gene: PDGFRA (platelet derived growth factor receptor alpha; plus strand). Cytogenetic location: 4q12.
Variant type: single nucleotide variant.
Coding change: c.2838G>C on transcript NM_006206.6 (MANE Select); coding-DNA position 2838, G replaced by C.
Protein change: p.Leu946=; no amino-acid change (leucine 946 retained).
Molecular consequence: synonymous variant.
Genome position (GRCh38, 1-based): chr4:54,289,072, G>C. VCF-style: chr4-54289072-G-C. GRCh37 (hg19) VCF-style: chr4-55155239-G-C.
Other names: c.2913G>C, p.Leu971= (NM_001347828.2); c.2838G>C, p.Leu946= (NM_001347829.2); c.2877G>C, p.Leu959= (NM_001347830.2).
Identifiers: ClinVar variation 1629617 (VCV001629617.11), dbSNP rs2110345913, ClinGen allele CA439287387.